The following is an entry in ClinVar:

NM_012188.5(FOXI1):c.845T>C (p.Leu282Pro)

Gene: FOXI1 (forkhead box I1; plus strand). Cytogenetic location: 5q35.1.
Variant type: single nucleotide variant.
Coding change: c.845T>C on transcript NM_012188.5 (MANE Select); coding-DNA position 845, T replaced by C.
Protein change: p.Leu282Pro; replaces leucine 282 with proline.
Molecular consequence: missense variant. On other transcripts: intron variant (1).
Genome position (GRCh38, 1-based): chr5:170,108,319, T>C. VCF-style: chr5-170108319-T-C. GRCh37 (hg19) VCF-style: chr5-169535323-T-C.
Other names: c.575-15T>C (NM_144769.4); short protein forms L282P.
Identifiers: ClinVar variation 1478911 (VCV001478911.8), dbSNP rs2113896942, ClinGen allele CA362127659.

ClinVar aggregate classification (germline): Uncertain significance (1 of 4 stars; one submission).

Submission:

Labcorp Genetics (formerly Invitae), Labcorp
Classification: Uncertain significance. Last evaluated: 2021-06-08. Review status: criteria provided, single submitter. Criteria: Invitae Variant Classification Sherloc (09022015). Collection method: clinical testing. Allele origin: germline.
Comment: This sequence change replaces leucine with proline at codon 282 of the FOXI1 protein (p.Leu282Pro). The leucine residue is highly conserved and there is a moderate physicochemical difference between leucine and proline. In summary, the available evidence is currently insufficient to determine the role of this variant in disease. Therefore, it has been classified as a Variant of Uncertain Significance. Algorithms developed to predict the effect of missense changes on protein structure and function (SIFT, PolyPhen-2, Align-GVGD) all suggest that this variant is likely to be disruptive, but these predictions have not been confirmed by published functional studies and their clinical significance is uncertain. This variant has not been reported in the literature in individuals with FOXI1-related conditions. This variant is not present in population databases (ExAC no frequency).